The following is an entry in ClinVar:

NM_174936.4(PCSK9):c.880A>G (p.Ser294Gly)

Gene: PCSK9 (proprotein convertase subtilisin/kexin type 9; plus strand). Cytogenetic location: 1p32.3.
Variant type: single nucleotide variant.
Coding change: c.880A>G on transcript NM_174936.4 (MANE Select); coding-DNA position 880, A replaced by G.
Protein change: p.Ser294Gly; replaces serine 294 with glycine.
Molecular consequence: missense variant. On other transcripts: non-coding transcript variant (8).
Genome position (GRCh38, 1-based): chr1:55,056,073, A>G. VCF-style: chr1-55056073-A-G. GRCh37 (hg19) VCF-style: chr1-55521746-A-G.
Other names: c.1003A>G, p.Ser335Gly (NM_001407240.1); c.880A>G, p.Ser294Gly (NM_001407241.1, NM_001407244.1, NM_001407247.1); c.883A>G, p.Ser295Gly (NM_001407242.1); c.823A>G, p.Ser275Gly (NM_001407243.1); c.688A>G, p.Ser230Gly (NM_001407245.1); c.505A>G, p.Ser169Gly (NM_001407246.1); short protein forms S169G, S230G, S275G, S294G, S295G, S335G.
Identifiers: ClinVar variation 3069868 (VCV003069868.1), dbSNP rs1188101054, ClinGen allele CA340474614.
Genomic context (GRCh38, chr1:55,056,073, plus strand): 5'-AGCCAGCTGGTCCAGCCTGTGGGGCCACTGGTGGTGCTGCTGCCCCTGGCGGGTGGGTAC[A>G]GCCGCGTCCTCAACGCCGCCTGCCAGCGCCTGGCGAGGGCTGGGGTCGTGCTGGTCACCG-3'
Protein context (NP_777596.2, residues 284-304): VVLLPLAGGY[Ser294Gly]RVLNAACQRL

ClinVar aggregate classification (germline): Uncertain significance (1 of 4 stars; one submission).

Conditions:
Hypercholesterolemia, autosomal dominant, 3 (FHCL3). Also called: PCSK9-Related Familial Hypercholesterolemia, Autosomal Dominant; Familial Hypercholesterolemia, Autosomal Dominant, 3; Familial hypercholesterolemia 3. Identifiers: MedGen C1863551, MONDO:0011369, OMIM 603776.

gnomAD v4.1: 1 of 1,599,782 alleles (0.000063%); highest among the groups gnomAD compares: East Asian, 0.0023%; no homozygotes.

Submission:

All of Us Research Program, National Institutes of Health
Classification: Uncertain significance for Hypercholesterolemia, autosomal dominant, 3. Last evaluated: 2023-03-04. Review status: criteria provided, single submitter. Criteria: ACMG Guidelines, 2015. Collection method: clinical testing. Allele origin: germline. Inheritance: Autosomal dominant inheritance. Observed: 1 variant allele, 1 heterozygote.
Comment: This study involves interpretation of variants in research participants for the purpose of population health screening. Participant phenotype was not available at the time of variant classification. Additional details can be found in publication PMID: 35346344, PMCID: PMC8962531